The following is an entry in ClinVar:

NM_000138.5(FBN1):c.5674A>T (p.Ile1892Leu)

Gene: FBN1 (fibrillin 1; minus strand). Cytogenetic location: 15q21.1.
Variant type: single nucleotide variant.
Coding change: c.5674A>T on transcript NM_000138.5 (MANE Select); coding-DNA position 5674, A replaced by T.
Protein change: p.Ile1892Leu; replaces isoleucine 1892 with leucine.
Molecular consequence: missense variant.
Genome position (GRCh38, 1-based): chr15:48,446,820, T>A on the plus strand (A>T on the coding strand, the complement: FBN1 is on the minus strand). VCF-style: chr15-48446820-T-A. GRCh37 (hg19) VCF-style: chr15-48739017-T-A.
Other names: short protein forms I1892L.
Identifiers: ClinVar variation 582086 (VCV000582086.8), dbSNP rs760170973, ClinGen allele CA392341454.

ClinVar aggregate classification (germline): Uncertain significance (1 of 4 stars; one submission).

Conditions:
Familial thoracic aortic aneurysm and aortic dissection (TAAD). Also called: Thoracic aortic aneurysms and dissections. Identifiers: Orphanet 91387, MedGen C4707243, MONDO:0019625.
Marfan syndrome (MFS). Also called: FBN1-Related Marfan Syndrome; Marfan syndrome type 1; Marfan's syndrome; Marfan syndrome, classic; MARFAN SYNDROME, TYPE I. Identifiers: Orphanet 284963, Orphanet 558, MedGen C0024796, MONDO:0007947, OMIM 154700.

gnomAD v4.1: 1 of 1,594,522 alleles (0.000063%); highest among the groups gnomAD compares: Non-Finnish European, 0.000086%; no homozygotes.

Submission:

Labcorp Genetics (formerly Invitae), Labcorp
Classification: Uncertain significance for Marfan syndrome; Familial thoracic aortic aneurysm and aortic dissection. Last evaluated: 2018-02-27. Review status: criteria provided, single submitter. Criteria: Invitae Variant Classification Sherloc (09022015). Collection method: clinical testing. Allele origin: germline.
Comment: In summary, the available evidence is currently insufficient to determine the role of this variant in disease. Therefore, it has been classified as a Variant of Uncertain Significance. Algorithms developed to predict the effect of missense changes on protein structure and function (SIFT, PolyPhen-2, Align-GVGD) all suggest that this variant is likely to be tolerated, but these predictions have not been confirmed by published functional studies and their clinical significance is uncertain. This variant has not been reported in the literature in individuals with FBN1-related disease. This variant is not present in population databases (ExAC no frequency). This sequence change replaces isoleucine with leucine at codon 1892 of the FBN1 protein (p.Ile1892Leu). The isoleucine residue is moderately conserved and there is a small physicochemical difference between isoleucine and leucine.